The following is an entry in ClinVar:

ClinVar aggregate classification (germline): Uncertain significance. Review status: criteria provided, single submitter (1 of 4 stars). 2 submissions from 2 submitters: Uncertain significance (1). 1 of the submissions does not count toward it. Last evaluated 2021-10-05.

Conditions:
Epidermolysis bullosa dystrophica. Also called: Dystrophic epidermolysis bullosa; Dystrophic epidermolysis bullosa, Hallopeau-Siemens type (formerly). Identifiers: Orphanet 303, MedGen C0079294, MONDO:0006543.

Submissions (2):

Labcorp Genetics (formerly Invitae), Labcorp
Classification: Uncertain significance. Last evaluated: 2021-10-05. Review status: criteria provided, single submitter. Criteria: Invitae Variant Classification Sherloc (09022015). Collection method: clinical testing. Allele origin: germline.
Comment: This sequence change replaces proline with threonine at codon 286 of the COL7A1 protein (p.Pro286Thr). The proline residue is moderately conserved and there is a small physicochemical difference between proline and threonine. This variant is not present in population databases (ExAC no frequency). This variant has not been reported in the literature in individuals affected with COL7A1-related conditions. Advanced modeling of protein sequence and biophysical properties (such as structural, functional, and spatial information, amino acid conservation, physicochemical variation, residue mobility, and thermodynamic stability) performed at Invitae indicates that this missense variant is not expected to disrupt COL7A1 protein function. In summary, the available evidence is currently insufficient to determine the role of this variant in disease. Therefore, it has been classified as a Variant of Uncertain Significance.

Natera, Inc.
Classification: Uncertain significance for Dystrophic epidermolysis bullosa. Last evaluated: 2025-01-31. Review status: no assertion criteria provided. Collection method: clinical testing. Allele origin: germline. Not counted in ClinVar's aggregate classification.

NM_000094.4(COL7A1):c.856C>A (p.Pro286Thr)

Gene: COL7A1 (collagen type VII alpha 1 chain; minus strand). Cytogenetic location: 3p21.31.
Variant type: single nucleotide variant.
Coding change: c.856C>A on transcript NM_000094.4 (MANE Select); coding-DNA position 856, C replaced by A.
Protein change: p.Pro286Thr; replaces proline 286 with threonine.
Molecular consequence: missense variant.
Genome position (GRCh38, 1-based): chr3:48,592,690, G>T on the plus strand (C>A on the coding strand, the complement: COL7A1 is on the minus strand). VCF-style: chr3-48592690-G-T. GRCh37 (hg19) VCF-style: chr3-48630123-G-T.
Other names: short protein forms P286T.
Identifiers: ClinVar variation 1972951 (VCV001972951.3), dbSNP rs1281908726, ClinGen allele CA352740655.
Genomic context (GRCh38, chr3:48,592,690, plus strand): 5'-TCACTTGGTACTCGGTCAGTGGCCGGAGACCCCGCAGCCGCACACTGGTCTCACCAGCTG[G>T]GACGTTCACCTGCCCAGGGCAAGAGGTCACTTTATCTTGCCCAGCCAAGTCCCCAGCCAC-3'
Protein context (NP_000085.1, residues 276-296): LPSERQEVNV[Pro286Thr]AGETSVRLRG